The following is an entry in ClinVar:

NM_006950.3(SYN1):c.404T>C (p.Ile135Thr)

Gene: SYN1 (synapsin I; minus strand). Cytogenetic location: Xp11.23.
Variant type: single nucleotide variant.
Coding change: c.404T>C on transcript NM_006950.3 (MANE Select); coding-DNA position 404, T replaced by C.
Protein change: p.Ile135Thr; replaces isoleucine 135 with threonine.
Molecular consequence: missense variant.
Genome position (GRCh38, 1-based): chrX:47,607,172, A>G on the plus strand (T>C on the coding strand, the complement: SYN1 is on the minus strand). VCF-style: chrX-47607172-A-G. GRCh37 (hg19) VCF-style: chrX-47466571-A-G.
Other names: c.404T>C, p.Ile135Thr (NM_133499.2); short protein forms I135T.
Identifiers: ClinVar variation 3376294 (VCV003376294.1).

ClinVar aggregate classification (germline): Uncertain significance (1 of 4 stars; one submission).

Conditions:
Epilepsy, X-linked 1, with variable learning disabilities and behavior disorders. Also called: X-linked epilepsy-learning disabilities-behavior disorders syndrome. Identifiers: Orphanet 85294, MedGen C5774177, MONDO:0010339, OMIM 300491.

gnomAD v4.1: 7 of 1,211,572 alleles (0.00058%); highest among the groups gnomAD compares: South Asian, 0.012%; no homozygotes.

Submission:

Pittsburgh Clinical Genomics Laboratory, University of Pittsburgh Medical Center
Classification: Uncertain significance for Epilepsy, X-linked 1, with variable learning disabilities and behavior disorders. Last evaluated: 2022-03-30. Review status: criteria provided, single submitter. Criteria: ACMG Guidelines, 2015. Collection method: clinical testing. Allele origin: germline. Inheritance: X-linked recessive inheritance. Affected: yes.
Comment: This sequence variant is a single nucleotide substitution (T>C) at position 404 of the coding sequence of the SYN1 gene that results in an isoleucine to threonine amino acid change at residue 135 of the SYN1-encoded protein, Sypsin-1. The Ile135 residue falls in the C-domain, which plays a critical function in Sypsin-1's role in the regulation of neurotransmitter release (PMID: 33809712). This variant is absent from an online database of clinically annotated variants (ClinVar) and has not been observed in individuals affected by Sypsin-1-related disorders in the published literature, to our knowledge. This variant is rare in control population datasets (gnomAD database, 3 of 183,415 alleles, 0.002%). Multiple bioinformatic tools predict that this isoleucine to threonine amino acid change would be damaging, and the Ile135 residue is strongly conserved across the mammalian species examined. Studies examining the functiol consequence of this variant have not been published, to our knowledge. At this time, there is insufficient evidence to determine if this variant is pathogenic or benign. Therefore, we consider this a variant of uncertain significance. ACMG Criteria: PM2, PP3

Literature cited by the submitters: PubMed 33809712.